The following is an entry in ClinVar:

ClinVar aggregate classification (germline): Uncertain significance (1 of 4 stars; one submission).

Conditions:
Gillespie syndrome (GLSP). Also called: Aniridia-cerebellar ataxia-intellectual disability syndrome; Aniridia, cerebellar ataxia, and mental deficiency. Identifiers: Orphanet 1065, MedGen C0431401, MONDO:0008795, OMIM 206700.

Submission:

Baylor Genetics
Classification: Uncertain significance for Gillespie syndrome. Last evaluated: 2019-05-04. Review status: criteria provided, single submitter. Criteria: ACMG Guidelines, 2015. Collection method: clinical testing. Allele origin: paternal. Affected: yes.
Comment: This variant was determined to be of uncertain significance according to ACMG Guidelines, 2015 [PMID:25741868].

NM_001378452.1(ITPR1):c.2473G>A (p.Ala825Thr)

Gene: ITPR1 (inositol 1,4,5-trisphosphate receptor type 1; plus strand). Cytogenetic location: 3p26.1.
Variant type: single nucleotide variant.
Coding change: c.2473G>A on transcript NM_001378452.1 (MANE Select); coding-DNA position 2473, G replaced by A.
Protein change: p.Ala825Thr; replaces alanine 825 with threonine.
Molecular consequence: missense variant.
Genome position (GRCh38, 1-based): chr3:4,674,218, G>A. VCF-style: chr3-4674218-G-A. GRCh37 (hg19) VCF-style: chr3-4715902-G-A.
Other names: c.2473G>A, p.Ala825Thr (NM_001099952.4); c.2428G>A, p.Ala810Thr (NM_001168272.2, NM_002222.7); short protein forms A810T, A825T.
Identifiers: ClinVar variation 1028005 (VCV001028005.1), dbSNP rs2094142451, ClinGen allele CA351647819.